The following is an entry in ClinVar:

ClinVar aggregate classification (germline): Uncertain significance (1 of 4 stars; one submission).

Conditions:
Neuroblastoma, susceptibility to, 3. Also called: ALK-Related Neuroblastic Tumor Susceptibility. Identifiers: Orphanet 635, MedGen C2751681, MONDO:0013083, OMIM 613014.

Submission:

Labcorp Genetics (formerly Invitae), Labcorp
Classification: Uncertain significance for Neuroblastoma, susceptibility to, 3. Last evaluated: 2020-01-23. Review status: criteria provided, single submitter. Criteria: Invitae Variant Classification Sherloc (09022015). Collection method: clinical testing. Allele origin: germline.
Comment: This sequence change replaces glycine with serine at codon 1287 of the ALK protein (p.Gly1287Ser). The glycine residue is highly conserved and there is a small physicochemical difference between glycine and serine. This variant is not present in population databases (ExAC no frequency). This variant has not been reported in the literature in individuals with ALK-related conditions. Algorithms developed to predict the effect of missense changes on protein structure and function (SIFT, PolyPhen-2, Align-GVGD) all suggest that this variant is likely to be disruptive, but these predictions have not been confirmed by published functional studies and their clinical significance is uncertain. In summary, the available evidence is currently insufficient to determine the role of this variant in disease. Therefore, it has been classified as a Variant of Uncertain Significance.

NM_004304.5(ALK):c.3859G>A (p.Gly1287Ser)

Gene: ALK (ALK receptor tyrosine kinase; minus strand). Cytogenetic location: 2p23.2.
Variant type: single nucleotide variant.
Coding change: c.3859G>A on transcript NM_004304.5 (MANE Select); coding-DNA position 3859, G replaced by A.
Protein change: p.Gly1287Ser; replaces glycine 1287 with serine.
Molecular consequence: missense variant.
Genome position (GRCh38, 1-based): chr2:29,207,250, C>T on the plus strand (G>A on the coding strand, the complement: ALK is on the minus strand). VCF-style: chr2-29207250-C-T. GRCh37 (hg19) VCF-style: chr2-29430116-C-T.
Other names: c.655G>A, p.Gly219Ser (NM_001353765.2); short protein forms G1287S, G219S.
Identifiers: ClinVar variation 1004009 (VCV001004009.9), dbSNP rs1669335550, ClinGen allele CA346468976.